The following is an entry in ClinVar:

ClinVar aggregate classification (germline): Likely benign. Review status: criteria provided, single submitter (1 of 4 stars). 2 submissions from 2 submitters: Likely benign (1). 1 of the submissions does not count toward it. Last evaluated 2024-02-11.

Conditions:
VIPAS39-related disorder. Also called: VIPAS39-related condition.

Allele frequency attached by ClinVar (database versions not stated): ExAC 0.00002.
gnomAD v4.1: 15 of 1,612,708 alleles (0.00093%); highest among the groups gnomAD compares: South Asian, 0.011%; no homozygotes.

Submissions (2):

Labcorp Genetics (formerly Invitae), Labcorp
Classification: Likely benign. Last evaluated: 2024-02-11. Review status: criteria provided, single submitter. Criteria: Invitae Variant Classification Sherloc (09022015). Collection method: clinical testing. Allele origin: germline.

PreventionGenetics, part of Exact Sciences
Classification: Likely benign for VIPAS39-related condition. Last evaluated: 2022-01-21. Review status: no assertion criteria provided. Collection method: clinical testing. Allele origin: germline. Not counted in ClinVar's aggregate classification.
Comment: This variant is classified as likely benign based on ACMG/AMP sequence variant interpretation guidelines (Richards et al. 2015 PMID: 25741868, with internal and published modifications).

NM_001193315.2(VIPAS39):c.1267-7C>T

Gene: VIPAS39 (VPS33B interacting protein, apical-basolateral polarity regulator, spe-39 homolog; minus strand). Cytogenetic location: 14q24.3.
Variant type: single nucleotide variant.
Coding change: c.1267-7C>T on transcript NM_001193315.2 (MANE Select); 7 bases into the intron before coding-DNA position 1267, C replaced by T.
Molecular consequence: intron variant.
Genome position (GRCh38, 1-based): chr14:77,429,102, G>A on the plus strand (C>T on the coding strand, the complement: VIPAS39 is on the minus strand). VCF-style: chr14-77429102-G-A. GRCh37 (hg19) VCF-style: chr14-77895445-G-A.
Other names: c.1267-7C>T (NM_022067.3, NM_001400335.1, NM_022067.4 and 3 more transcripts); c.1027-7C>T (NM_001400337.1); c.1120-7C>T (NM_001193316.2, NM_001400324.1, NM_001400325.1); c.1174-7C>T (NM_001400333.1, NM_001400334.1); c.1234-7C>T (NM_001400327.1); c.988-7C>T (NM_001400338.1); c.982-7C>T (NM_001400339.1); c.1132-7C>T (NM_001400336.1); and 1 more.
Identifiers: ClinVar variation 2915881 (VCV002915881.5), dbSNP rs765966459, ClinGen allele CA7287766.